The following is an entry in ClinVar:

NM_001008212.2(OPTN):c.1401+4A>G

Gene: OPTN (optineurin; plus strand). Cytogenetic location: 10p13.
Variant type: single nucleotide variant.
Coding change: c.1401+4A>G on transcript NM_001008212.2 (MANE Select); 4 bases into the intron after coding-DNA position 1401, A replaced by G.
Molecular consequence: intron variant.
Genome position (GRCh38, 1-based): chr10:13,127,907, A>G. VCF-style: chr10-13127907-A-G. GRCh37 (hg19) VCF-style: chr10-13169907-A-G.
Other names: c.1401+4A>G (NM_001008211.1, NM_001008213.1, NM_021980.4).
Identifiers: ClinVar variation 1498682 (VCV001498682.24), dbSNP rs371470839, ClinGen allele CA5410944.
Genomic context (GRCh38, chr10:13,127,907, plus strand): 5'-CAAACCATTGCCAAGCAGGAAGAGGACCTGGAAACCATGACCATCCTCAGGGCTCAGGTG[A>G]GGCACCTTCCAAAACCCCAGCTGAGCGAGGCCAGCCCTGACTGTATTCTCGCATTGGAAA-3'

ClinVar aggregate classification (germline): Conflicting classifications of pathogenicity. Review status: criteria provided, conflicting classifications (1 of 4 stars). 4 submissions from 4 submitters: Uncertain significance (2); Likely benign (1). 1 of the submissions does not count toward it. Last evaluated 2025-08-31.

Conditions:
Amyotrophic lateral sclerosis type 12 (ALS12). Also called: AMYOTROPHIC LATERAL SCLEROSIS 12 WITH OR WITHOUT FRONTOTEMPORAL DEMENTIA. Identifiers: Orphanet 803, MedGen C3150692, MONDO:0013264, OMIM 613435.
Primary open angle glaucoma (POAG). Also called: OPTN-related open angle glaucoma. Identifiers: MedGen C0339573, MONDO:0100553, OMIM 137760.
Glaucoma 1, open angle, E. Identifiers: MedGen C1842026, MONDO:0007665.
OPTN-related disorder. Also called: OPTN-related condition; OPTN-related disorders.
Inborn genetic diseases. Identifiers: MedGen C0950123, MeSH D030342.

Allele frequency attached by ClinVar (database versions not stated): gnomAD 0.00008 and 0.00009; TOPMed 0.00008; ESP Exome Variant Server 0.00023.
gnomAD v4.1: 134 of 1,614,030 alleles (0.0083%); highest among the groups gnomAD compares: Non-Finnish European, 0.01%; no homozygotes.

Submissions (4):

Labcorp Genetics (formerly Invitae), Labcorp
Classification: Uncertain significance for Primary open angle glaucoma; Glaucoma 1, open angle, E; Amyotrophic lateral sclerosis type 12. Last evaluated: 2025-08-31. Review status: criteria provided, single submitter. Criteria: Invitae Variant Classification Sherloc (09022015). Collection method: clinical testing. Allele origin: germline.
Comment: This sequence change falls in intron 11 of the OPTN gene. It does not directly change the encoded amino acid sequence of the OPTN protein. It affects a nucleotide within the consensus splice site. This variant is present in population databases (rs371470839, gnomAD 0.02%). This variant has been observed in individual(s) with clinical features of OPTN-related conditions (PMID: 21613650). ClinVar contains an entry for this variant (Variation ID: 1498682). Variants that disrupt the consensus splice site are a relatively common cause of aberrant splicing (PMID: 17576681, 9536098). Algorithms developed to predict the effect of sequence changes on RNA splicing suggest that this variant is not likely to affect RNA splicing. In summary, the available evidence is currently insufficient to determine the role of this variant in disease. Therefore, it has been classified as a Variant of Uncertain Significance.

CeGaT Center for Human Genetics Tuebingen
Classification: Uncertain significance. Last evaluated: 2025-01-01. Review status: criteria provided, single submitter. Criteria: CeGaT Center For Human Genetics Tuebingen Variant Classification Criteria Version 2. Collection method: clinical testing. Allele origin: germline. Affected: yes. Observed: 1 variant allele.
Comment: OPTN: PM2, PS4:Supporting, BP4

Ambry Genetics
Classification: Likely benign for Inborn genetic diseases. Last evaluated: 2022-12-06. Review status: criteria provided, single submitter. Criteria: Ambry Variant Classification Scheme 2023. Collection method: clinical testing. Allele origin: germline.

PreventionGenetics, part of Exact Sciences
Classification: Uncertain significance for OPTN-related condition. Last evaluated: 2024-08-01. Review status: no assertion criteria provided. Collection method: clinical testing. Allele origin: germline. Not counted in ClinVar's aggregate classification.
Comment: The OPTN c.1401+4A>G variant is predicted to interfere with splicing. This variant is not predicted to impact splicing based on computational modeling; however, this has not been functionally validated (SpliceAI, Jaganathan et al. 2019. PubMed ID: 30661751). This variant was reported in an individual with amyotrophic lateral sclerosis (Del Bo et al. 2011. PubMed ID: 21613650); however, it has also been reported in unaffected individuals. This variant is reported in 0.019% of alleles in individuals of Ashkenazi Jewish descent in gnomAD. Although we suspect that this variant may be benign, at this time, the clinical significance of this variant is uncertain due to the absence of conclusive functional and genetic evidence.

Literature cited by the submitters: PubMed 21613650 (cited by Labcorp Genetics (formerly Invitae), Labcorp and Ambry Genetics); PubMed 17576681 (cited by Labcorp Genetics (formerly Invitae), Labcorp); PubMed 9536098 (cited by Labcorp Genetics (formerly Invitae), Labcorp).